The following is an entry in ClinVar:

NM_032638.5(GATA2):c.1054T>C (p.Cys352Arg)

Gene: GATA2 (GATA binding protein 2; minus strand). Cytogenetic location: 3q21.3.
Variant type: single nucleotide variant.
Coding change: c.1054T>C on transcript NM_032638.5 (MANE Select); coding-DNA position 1054, T replaced by C.
Protein change: p.Cys352Arg; replaces cysteine 352 with arginine.
Molecular consequence: missense variant. On other transcripts: intron variant (1).
Genome position (GRCh38, 1-based): chr3:128,481,908, A>G on the plus strand (T>C on the coding strand, the complement: GATA2 is on the minus strand). VCF-style: chr3-128481908-A-G. GRCh37 (hg19) VCF-style: chr3-128200751-A-G.
Other names: c.1054T>C, p.Cys352Arg (NM_001145661.2); c.1018-6T>C (NM_001145662.1); short protein forms C352R.
Identifiers: ClinVar variation 211061 (VCV000211061.7), dbSNP rs797045591, ClinGen allele CA208292.

ClinVar aggregate classification (germline): Likely pathogenic. Review status: criteria provided, multiple submitters, no conflicts (2 of 4 stars). 2 submissions from 2 submitters: Likely pathogenic (2). Last evaluated 2021-07-06.

Conditions:
GATA2 deficiency with susceptibility to MDS/AML. Identifiers: MedGen CN300066, MONDO:0042982.
Deafness-lymphedema-leukemia syndrome. Also called: Emberger syndrome; Lymphedema, primary, with myelodysplasia. Identifiers: Orphanet 3226, MedGen C3279664, MONDO:0013540, OMIM 614038.
Leukemia, acute myeloid, susceptibility to. Identifiers: MedGen C3275959, MONDO:0100173.

Submissions (2):

Molecular Pathology Research Laboratory, SA Pathology
Classification: Likely pathogenic for GATA2 deficiency with susceptibility to MDS/AML; Deafness-lymphedema-leukemia syndrome. Last evaluated: 2021-07-06. Review status: criteria provided, single submitter. Criteria: ACMG Guidelines, 2015. Collection method: curation. Allele origin: de novo. Inheritance: Autosomal dominant inheritance. Affected: yes. Observed: 1 variant allele.
Comment: PS4_Supporting, PM1, PM2, PM5, PP3

Genetic Services Laboratory, University of Chicago
Classification: Likely pathogenic for Leukemia, acute myeloid, susceptibility to. Last evaluated: 2015-05-09. Review status: criteria provided, single submitter. Criteria: ACMG Guidelines, 2015. Collection method: clinical testing. Allele origin: germline. Affected: yes.

Literature cited by the submitters: PubMed 28104920 (cited by Molecular Pathology Research Laboratory, SA Pathology).